The following is an entry in ClinVar:

ClinVar aggregate classification (germline): Uncertain significance. Review status: criteria provided, multiple submitters, no conflicts (2 of 4 stars). 4 submissions from 4 submitters: Uncertain significance (4). Last evaluated 2025-09-26.

Conditions:
Inborn genetic diseases. Identifiers: MedGen C0950123, MeSH D030342.
Neurodevelopmental disorder with progressive microcephaly, spasticity, and brain anomalies. Identifiers: Orphanet 521426, MedGen C4479631, MONDO:0060502, OMIM 617527.

Allele frequency attached by ClinVar (database versions not stated): gnomAD exomes 0.00008 and 0.00023; ExAC 0.00012; gnomAD 0.00062 and 0.00059; 1000 Genomes Project 0.00040; 1000 Genomes Project 30x 0.00047; TOPMed 0.00053.

Submissions (4):

Ambry Genetics
Classification: Uncertain significance for Inborn genetic diseases. Last evaluated: 2025-09-26. Review status: criteria provided, single submitter. Criteria: Ambry Variant Classification Scheme 2023. Collection method: clinical testing. Allele origin: germline.

GeneDx
Classification: Uncertain significance. Last evaluated: 2025-01-22. Review status: criteria provided, single submitter. Criteria: GeneDx Variant Classification Process June 2021. Collection method: clinical testing. Allele origin: germline. Affected: yes.
Comment: In silico analysis indicates that this missense variant does not alter protein structure/function; Has not been previously published as pathogenic or benign to our knowledge

Labcorp Genetics (formerly Invitae), Labcorp
Classification: Uncertain significance. Last evaluated: 2022-08-23. Review status: criteria provided, single submitter. Criteria: Invitae Variant Classification Sherloc (09022015). Collection method: clinical testing. Allele origin: germline.
Comment: This sequence change replaces threonine, which is neutral and polar, with arginine, which is basic and polar, at codon 304 of the PLAA protein (p.Thr304Arg). This variant is present in population databases (rs187160268, gnomAD 0.1%). This variant has not been reported in the literature in individuals affected with PLAA-related conditions. ClinVar contains an entry for this variant (Variation ID: 1033219). Algorithms developed to predict the effect of missense changes on protein structure and function (SIFT, PolyPhen-2, Align-GVGD) all suggest that this variant is likely to be tolerated. In summary, the available evidence is currently insufficient to determine the role of this variant in disease. Therefore, it has been classified as a Variant of Uncertain Significance.

Baylor Genetics
Classification: Uncertain significance for Neurodevelopmental disorder with progressive microcephaly, spasticity, and brain anomalies. Last evaluated: 2018-10-01. Review status: criteria provided, single submitter. Criteria: ACMG Guidelines, 2015. Collection method: clinical testing. Allele origin: unknown. Affected: yes.
Comment: This variant was determined to be of uncertain significance according to ACMG Guidelines, 2015 [PMID:25741868].

NM_001031689.3(PLAA):c.911C>G (p.Thr304Arg)

Gene: PLAA (phospholipase A2 activating protein; minus strand). Cytogenetic location: 9p21.2.
Variant type: single nucleotide variant.
Coding change: c.911C>G on transcript NM_001031689.3 (MANE Select); coding-DNA position 911, C replaced by G.
Protein change: p.Thr304Arg; replaces threonine 304 with arginine.
Molecular consequence: missense variant.
Genome position (GRCh38, 1-based): chr9:26,923,306, G>C on the plus strand (C>G on the coding strand, the complement: PLAA is on the minus strand). VCF-style: chr9-26923306-G-C. GRCh37 (hg19) VCF-style: chr9-26923304-G-C.
Other names: c.911C>G, p.Thr304Arg (NM_001321546.2); short protein forms T304R.
Identifiers: ClinVar variation 1033219 (VCV001033219.6), dbSNP rs187160268, ClinGen allele CA5014511.